The following is an entry in ClinVar:

ClinVar aggregate classification (germline): Uncertain significance (1 of 4 stars; one submission).

Conditions:
Neuronal ceroid lipofuscinosis. Also called: Neuronal Ceroid Lipofuscinoses. Identifiers: Orphanet 216, Orphanet 79263, MedGen C0027877, MONDO:0016295. Disease mechanism: loss of function.

Submission:

Labcorp Genetics (formerly Invitae), Labcorp
Classification: Uncertain significance for Neuronal ceroid lipofuscinosis. Last evaluated: 2025-01-27. Review status: criteria provided, single submitter. Criteria: Invitae Variant Classification Sherloc (09022015). Collection method: clinical testing. Allele origin: germline.
Comment: This sequence change results in a frameshift in the CLN8 gene (p.Pro268Alafs*43). While this is not anticipated to result in nonsense mediated decay, it is expected to disrupt the last 19 amino acid(s) of the CLN8 protein and extend the protein by 23 additional amino acid residues. This variant is not present in population databases (gnomAD no frequency). This variant has not been reported in the literature in individuals affected with CLN8-related conditions. ClinVar contains an entry for this variant (Variation ID: 2089857). In summary, the available evidence is currently insufficient to determine the role of this variant in disease. Therefore, it has been classified as a Variant of Uncertain Significance.

NM_018941.4(CLN8):c.801dup (p.Pro268fs)

Gene: CLN8 (CLN8 transmembrane ER and ERGIC protein; plus strand). Cytogenetic location: 8p23.3.
Variant type: Duplication.
Coding change: c.801dup on transcript NM_018941.4 (MANE Select); coding-DNA position 801, one base duplicated (G; older notation c.801dupG).
Protein change: p.Pro268fs; shifts the reading frame from proline 268.
Molecular consequence: frameshift variant.
Genome position (GRCh38, 1-based): chr8:1,780,507, G duplicated. VCF-style (leftmost placement, unchanged base first): chr8-1780506-A-AG. GRCh37 (hg19) VCF-style: chr8-1728672-A-AG.
Other names: short protein forms P268fs.
Identifiers: ClinVar variation 2089857 (VCV002089857.4), dbSNP rs2486491113, ClinGen allele CA2580077998.